The following is an entry in ClinVar:

NM_018676.4(THSD1):c.618T>A (p.Cys206Ter)

Gene: THSD1 (thrombospondin type 1 domain containing 1; minus strand). Cytogenetic location: 13q14.3.
Variant type: single nucleotide variant.
Coding change: c.618T>A on transcript NM_018676.4 (MANE Select); coding-DNA position 618, T replaced by A.
Protein change: p.Cys206Ter; replaces cysteine 206 with a stop codon.
Molecular consequence: nonsense.
Genome position (GRCh38, 1-based): chr13:52,397,635, A>T on the plus strand (T>A on the coding strand, the complement: THSD1 is on the minus strand). VCF-style: chr13-52397635-A-T. GRCh37 (hg19) VCF-style: chr13-52971770-A-T.
Other names: c.618T>A, p.Cys206Ter (NM_199263.3); short protein forms C206*.
Identifiers: ClinVar variation 4813573 (VCV004813573.1).

ClinVar aggregate classification (germline): Uncertain significance (1 of 4 stars; one submission).

Conditions:
Lymphatic malformation 13 (LMPHM13). Also called: HYDROPS FETALIS, NONIMMUNE, WITH CARDIAC DEFECTS AND HEMANGIOMAS. Identifiers: MedGen C5830279, MONDO:0859379, OMIM 620244.

gnomAD v4.1: 2 of 1,614,076 alleles (0.00012%); highest among the groups gnomAD compares: Non-Finnish European, 0.00017%; no homozygotes.

Submission:

Mendelics
Classification: Uncertain significance for Lymphatic malformation 13. Last evaluated: 2026-03-05. Review status: criteria provided, single submitter. Criteria: ACMG Guidelines, 2015. Collection method: clinical testing. Allele origin: unknown.
Comment: The available evidence is insufficient to conclusively determine the role of this variant. Therefore, it is classified as a Variant of Uncertain Significance.